The following is an entry in ClinVar:

NM_000548.5(TSC2):c.1516A>G (p.Lys506Glu)

Gene: TSC2 (TSC complex subunit 2; plus strand). Cytogenetic location: 16p13.3.
Variant type: single nucleotide variant.
Coding change: c.1516A>G on transcript NM_000548.5 (MANE Select); coding-DNA position 1516, A replaced by G.
Protein change: p.Lys506Glu; replaces lysine 506 with glutamic acid.
Molecular consequence: missense variant. On other transcripts: non-coding transcript variant (5), 5 prime UTR variant (1).
Genome position (GRCh38, 1-based): chr16:2,064,344, A>G. VCF-style: chr16-2064344-A-G. GRCh37 (hg19) VCF-style: chr16-2114345-A-G.
Other names: c.916A>G, p.Lys306Glu (NM_001406682.1, NM_001406683.1, NM_001406684.1 and 6 more transcripts); c.172A>G, p.Lys58Glu (NM_001406689.1, NM_001406690.1, NM_001406691.1 and 6 more transcripts); c.1516A>G, p.Lys506Glu (NM_001077183.3, NM_001114382.3, NM_001363528.2 and 6 more transcripts); c.1405A>G, p.Lys469Glu (NM_001318827.2, NM_001406670.1, NM_001406678.1); c.1369A>G, p.Lys457Glu (NM_001318829.2, NM_001406675.1, NM_001406676.1 and 1 more transcripts); c.1549A>G, p.Lys517Glu (NM_001318832.2); c.1606A>G, p.Lys536Glu (NM_001406667.1, NM_001406668.1); c.1504A>G, p.Lys502Glu (NM_001406671.1, NM_001406673.1); and 3 more; short protein forms K306E, K352E, K457E, K469E, K487E, K502E, K506E, K517E.
Identifiers: ClinVar variation 4757284 (VCV004757284.1).

ClinVar aggregate classification (germline): Uncertain significance (1 of 4 stars; one submission).

Conditions:
Tuberous sclerosis syndrome (TSC). Also called: Tuberous Sclerosis Complex; Tuberous sclerosis. Identifiers: Orphanet 805, MedGen C0041341, MONDO:0001734.

Submission:

Color Diagnostics, LLC DBA Color Health
Classification: Uncertain significance for Tuberous sclerosis syndrome. Last evaluated: 2025-06-25. Review status: criteria provided, single submitter. Criteria: ACMG Guidelines, 2015. Collection method: clinical testing. Allele origin: germline.
Comment: This missense variant replaces lysine with glutamic acid at codon 506 of the TSC2 protein. Computational prediction suggests that this variant may not impact protein structure and function. To our knowledge, functional studies have not been reported for this variant. This variant has not been reported in individuals affected with TSC2-related disorders in the literature. This variant has not been identified in the general population by the Genome Aggregation Database (gnomAD). The available evidence is insufficient to determine the role of this variant in disease conclusively. Therefore, this variant is classified as a Variant of Uncertain Significance.